The following is an entry in ClinVar:

ClinVar aggregate classification (germline): Uncertain significance (1 of 4 stars; one submission).

Submission:

Labcorp Genetics (formerly Invitae), Labcorp
Classification: Uncertain significance. Last evaluated: 2025-10-01. Review status: criteria provided, single submitter. Criteria: Invitae Variant Classification Sherloc (09022015). Collection method: clinical testing. Allele origin: germline.
Comment: This sequence change replaces glycine, which is neutral and non-polar, with arginine, which is basic and polar, at codon 710 of the CLCN2 protein (p.Gly710Arg). This variant is present in population databases (rs371271357, gnomAD 0.008%). This variant has not been reported in the literature in individuals affected with CLCN2-related conditions. Invitae Evidence Modeling of protein sequence and biophysical properties (such as structural, functional, and spatial information, amino acid conservation, physicochemical variation, residue mobility, and thermodynamic stability) indicates that this missense variant is not expected to disrupt CLCN2 protein function with a negative predictive value of 80%. In summary, the available evidence is currently insufficient to determine the role of this variant in disease. Therefore, it has been classified as a Variant of Uncertain Significance.

NM_004366.6(CLCN2):c.2128G>A (p.Gly710Arg)

Gene: CLCN2 (chloride voltage-gated channel 2; minus strand). Cytogenetic location: 3q27.1.
Variant type: single nucleotide variant.
Coding change: c.2128G>A on transcript NM_004366.6 (MANE Select); coding-DNA position 2128, G replaced by A.
Protein change: p.Gly710Arg; replaces glycine 710 with arginine.
Molecular consequence: missense variant.
Genome position (GRCh38, 1-based): chr3:184,353,048, C>T on the plus strand (G>A on the coding strand, the complement: CLCN2 is on the minus strand). VCF-style: chr3-184353048-C-T. GRCh37 (hg19) VCF-style: chr3-184070836-C-T.
Other names: c.2077G>A, p.Gly693Arg (NM_001171087.3); c.1996G>A, p.Gly666Arg (NM_001171088.3); c.2128G>A, p.Gly710Arg (NM_001171089.3); short protein forms G666R, G710R, G693R.
Identifiers: ClinVar variation 4781516 (VCV004781516.1).